The following is an entry in ClinVar:

NM_000540.3(RYR1):c.13058G>A (p.Gly4353Asp)

Gene: RYR1 (ryanodine receptor 1; plus strand). Cytogenetic location: 19q13.2.
Variant type: single nucleotide variant.
Coding change: c.13058G>A on transcript NM_000540.3 (MANE Select); coding-DNA position 13058, G replaced by A.
Protein change: p.Gly4353Asp; replaces glycine 4353 with aspartic acid.
Molecular consequence: missense variant.
Genome position (GRCh38, 1-based): chr19:38,565,392, G>A. VCF-style: chr19-38565392-G-A. GRCh37 (hg19) VCF-style: chr19-39056032-G-A.
Other names: c.13043G>A, p.Gly4348Asp (NM_001042723.2); short protein forms G4348D, G4353D.
Identifiers: ClinVar variation 2175911 (VCV002175911.4), dbSNP rs565965327, ClinGen allele CA308109483.

ClinVar aggregate classification (germline): Uncertain significance. Review status: criteria provided, multiple submitters, no conflicts (2 of 4 stars). 3 submissions from 3 submitters: Uncertain significance (3). Last evaluated 2026-06-09.

Conditions:
RYR1-related disorder. Also called: RYR1-related condition; RYR1-related disorders. Identifiers: MedGen CN239331.
Inborn genetic diseases. Identifiers: MedGen C0950123, MeSH D030342.

Allele frequency attached by ClinVar (database versions not stated): gnomAD 0.00003; 1000 Genomes Project 30x 0.00047; TOPMed 0.00001; gnomAD exomes below 0.00001; 1000 Genomes Project 0.00060.
gnomAD v4.1: 7 of 1,368,764 alleles (0.00051%); highest among the groups gnomAD compares: Non-Finnish European, 0.00065%; no homozygotes.

Submissions (3):

Ambry Genetics
Classification: Uncertain significance for Inborn genetic diseases. Last evaluated: 2026-06-09. Review status: criteria provided, single submitter. Criteria: Ambry Variant Classification Scheme 2023. Collection method: clinical testing. Allele origin: germline.

Labcorp Genetics (formerly Invitae), Labcorp
Classification: Uncertain significance for RYR1-related disorder. Last evaluated: 2025-04-11. Review status: criteria provided, single submitter. Criteria: Invitae Variant Classification Sherloc (09022015). Collection method: clinical testing. Allele origin: germline.
Comment: This sequence change replaces glycine, which is neutral and non-polar, with aspartic acid, which is acidic and polar, at codon 4353 of the RYR1 protein (p.Gly4353Asp). This variant is not present in population databases (gnomAD no frequency). This variant has not been reported in the literature in individuals affected with RYR1-related conditions. ClinVar contains an entry for this variant (Variation ID: 2175911). Invitae Evidence Modeling of protein sequence and biophysical properties (such as structural, functional, and spatial information, amino acid conservation, physicochemical variation, residue mobility, and thermodynamic stability) indicates that this missense variant is not expected to disrupt RYR1 protein function with a negative predictive value of 80%. In summary, the available evidence is currently insufficient to determine the role of this variant in disease. Therefore, it has been classified as a Variant of Uncertain Significance.

GeneDx
Classification: Uncertain significance. Last evaluated: 2025-02-20. Review status: criteria provided, single submitter. Criteria: GeneDx Variant Classification Process June 2021. Collection method: clinical testing. Allele origin: germline. Affected: yes.
Comment: Not observed at significant frequency in large population cohorts (gnomAD); In silico analysis supports that this missense variant has a deleterious effect on protein structure/function; Has not been previously published as pathogenic or benign to our knowledge